The following is an entry in ClinVar:

NM_004385.5(VCAN):c.1425T>A (p.Asp475Glu)

Gene: VCAN (versican; plus strand). Cytogenetic location: 5q14.3.
Variant type: single nucleotide variant.
Coding change: c.1425T>A on transcript NM_004385.5 (MANE Select); coding-DNA position 1425, T replaced by A.
Protein change: p.Asp475Glu; replaces aspartic acid 475 with glutamic acid.
Molecular consequence: missense variant. On other transcripts: intron variant (2).
Genome position (GRCh38, 1-based): chr5:83,519,731, T>A. VCF-style: chr5-83519731-T-A. GRCh37 (hg19) VCF-style: chr5-82815550-T-A.
Other names: c.1042+7335T>A (NM_001164097.2, NM_001126336.3); c.1425T>A, p.Asp475Glu (NM_001164098.2); short protein forms D475E.
Identifiers: ClinVar variation 1034688 (VCV001034688.8), dbSNP rs976989474, ClinGen allele CA360300206.

ClinVar aggregate classification (germline): Uncertain significance (1 of 4 stars; one submission).

Submission:

Labcorp Genetics (formerly Invitae), Labcorp
Classification: Uncertain significance. Last evaluated: 2020-08-08. Review status: criteria provided, single submitter. Criteria: Invitae Variant Classification Sherloc (09022015). Collection method: clinical testing. Allele origin: germline.
Comment: In summary, the available evidence is currently insufficient to determine the role of this variant in disease. Therefore, it has been classified as a Variant of Uncertain Significance. Algorithms developed to predict the effect of sequence changes on RNA splicing suggest that this variant may create or strengthen a splice site, but this prediction has not been confirmed by published transcriptional studies. Algorithms developed to predict the effect of missense changes on protein structure and function output the following: SIFT: "Tolerated"; PolyPhen-2: "Benign"; Align-GVGD: "Class C0". The glutamic acid amino acid residue is found in multiple mammalian species, suggesting that this missense change does not adversely affect protein function. These predictions have not been confirmed by published functional studies and their clinical significance is uncertain. This variant has not been reported in the literature in individuals with VCAN-related conditions. This variant is not present in population databases (ExAC no frequency). This sequence change replaces aspartic acid with glutamic acid at codon 475 of the VCAN protein (p.Asp475Glu). The aspartic acid residue is moderately conserved and there is a small physicochemical difference between aspartic acid and glutamic acid.